The following is an entry in ClinVar:

ClinVar aggregate classification (germline): Uncertain significance (1 of 4 stars; one submission).

Allele frequency attached by ClinVar (database versions not stated): gnomAD exomes below 0.00001.
gnomAD v4.1: 2 of 1,613,960 alleles (0.00012%); highest among the groups gnomAD compares: Non-Finnish European, 0.00017%; no homozygotes.

Submission:

Labcorp Genetics (formerly Invitae), Labcorp
Classification: Uncertain significance. Last evaluated: 2021-06-01. Review status: criteria provided, single submitter. Criteria: Invitae Variant Classification Sherloc (09022015). Collection method: clinical testing. Allele origin: germline.
Comment: In summary, the available evidence is currently insufficient to determine the role of this variant in disease. Therefore, it has been classified as a Variant of Uncertain Significance. Nucleotide substitutions within the consensus splice site are a relatively common cause of aberrant splicing (PMID: 17576681, 9536098). Algorithms developed to predict the effect of sequence changes on RNA splicing suggest that this variant is not likely to affect RNA splicing, but this prediction has not been confirmed by published transcriptional studies. This variant has not been reported in the literature in individuals with POLE-related conditions. This variant is not present in population databases (ExAC no frequency). This sequence change falls in intron 44 of the POLE gene. It does not directly change the encoded amino acid sequence of the POLE protein. It affects a nucleotide within the consensus splice site of the intron.

Literature cited by the submitters: PubMed 17576681; PubMed 9536098.

NM_006231.4(POLE):c.6136+6C>A

Gene: POLE (DNA polymerase epsilon, catalytic subunit; minus strand). Cytogenetic location: 12q24.33.
Variant type: single nucleotide variant.
Coding change: c.6136+6C>A on transcript NM_006231.4 (MANE Select); 6 bases into the intron after coding-DNA position 6136, C replaced by A.
Molecular consequence: intron variant.
Genome position (GRCh38, 1-based): chr12:132,632,658, G>T on the plus strand (C>A on the coding strand, the complement: POLE is on the minus strand). VCF-style: chr12-132632658-G-T. GRCh37 (hg19) VCF-style: chr12-133209244-G-T.
Identifiers: ClinVar variation 1460847 (VCV001460847.6), dbSNP rs1593708643, ClinGen allele CA2573148216.
Genomic context (GRCh38, chr12:132,632,658, plus strand): 5'-ATGGCACACAGAGGAGTTAGGTCACTGGCACATGGCAGTGGCCTCAAAAGACAAAAGACT[G>T]CTCACCGGGAAGGGCTCCGACCGCCCCCTCGGCCTCCTGGGAGAGCTGGCTGGCCCCCCT-3'